The following is an entry in ClinVar:

NM_001122630.2(CDKN1C):c.730del (p.Ala244fs)

Gene: CDKN1C (cyclin dependent kinase inhibitor 1C; minus strand). Cytogenetic location: 11p15.4.
Variant type: Deletion.
Coding change: c.730del on transcript NM_001122630.2 (MANE Select); coding-DNA position 730, one base deleted (G; older notation c.730delG).
Protein change: p.Ala244fs; shifts the reading frame from alanine 244.
Molecular consequence: frameshift variant. On other transcripts: intron variant (1).
Genome position (GRCh38, 1-based): chr11:2,884,727, C deleted on the plus strand (G on the coding strand, the reverse complement: CDKN1C is on the minus strand). VCF-style (leftmost placement, unchanged base first): chr11-2884726-GC-G. GRCh37 (hg19) VCF-style: chr11-2905956-GC-G.
Other names: c.763del, p.Ala255fs (NM_000076.2, NM_001362474.2); c.730del, p.Ala244fs (NM_001122631.2); c.255+475del (NM_001362475.2); short protein forms A244fs, A255fs.
Identifiers: ClinVar variation 2836866 (VCV002836866.3), dbSNP rs2494383793, ClinGen allele CA2739276080.
Genomic context (GRCh38, chr11:2,884,726, plus strand): 5'-TCACCGGAGATCAGAGGCCCGGACAGCTTCTTGATCGCCGCGCCGTTGGCGCTGGCGGCC[GC>G]GGTGCCGGCCGCGGGACGTCCCGAAATCCCCGAGTGCAGCTGGTCAGCGAGAGGCTCCTG-3'

ClinVar aggregate classification (germline): Pathogenic (1 of 4 stars; one submission).

Conditions:
Beckwith-Wiedemann syndrome (BWS). Also called: EMG SYNDROME; Exomphalos macroglossia gigantism syndrome. Identifiers: Orphanet 116, MedGen C0004903, MONDO:0007534, OMIM 130650.

Submission:

Labcorp Genetics (formerly Invitae), Labcorp
Classification: Pathogenic for Beckwith-Wiedemann syndrome. Last evaluated: 2023-02-14. Review status: criteria provided, single submitter. Criteria: Invitae Variant Classification Sherloc (09022015). Collection method: clinical testing. Allele origin: germline.
Comment: This variant has not been reported in the literature in individuals affected with CDKN1C-related conditions. For these reasons, this variant has been classified as Pathogenic. This variant is not present in population databases (gnomAD no frequency). This sequence change creates a premature translational stop signal (p.Ala255Argfs*17) in the CDKN1C gene. It is expected to result in an absent or disrupted protein product. Loss-of-function variants in CDKN1C are known to be pathogenic (PMID: 20503313).

Literature cited by the submitters: PubMed 20503313.